The following is an entry in ClinVar:

ClinVar aggregate classification (germline): Uncertain significance (1 of 4 stars; one submission).

Conditions:
Combined immunodeficiency due to OX40 deficiency. Also called: Immunodeficiency 16; OX40 DEFICIENCY. Identifiers: Orphanet 431149, MedGen C3810053, MONDO:0014268, OMIM 615593.

Allele frequency attached by ClinVar (database versions not stated): gnomAD exomes below 0.00001.

Submission:

Labcorp Genetics (formerly Invitae), Labcorp
Classification: Uncertain significance for Combined immunodeficiency due to OX40 deficiency. Last evaluated: 2022-09-27. Review status: criteria provided, single submitter. Criteria: Invitae Variant Classification Sherloc (09022015). Collection method: clinical testing. Allele origin: germline.
Comment: In summary, the available evidence is currently insufficient to determine the role of this variant in disease. Therefore, it has been classified as a Variant of Uncertain Significance. Variants that disrupt the consensus splice site are a relatively common cause of aberrant splicing (PMID: 17576681, 9536098). Algorithms developed to predict the effect of sequence changes on RNA splicing suggest that this variant is not likely to affect RNA splicing. This variant has not been reported in the literature in individuals affected with TNFRSF4-related conditions. This variant is not present in population databases (gnomAD no frequency). This sequence change falls in intron 5 of the TNFRSF4 gene. It does not directly change the encoded amino acid sequence of the TNFRSF4 protein. It affects a nucleotide within the consensus splice site.

Literature cited by the submitters: PubMed 17576681; PubMed 9536098.

NM_003327.4(TNFRSF4):c.635-3C>T

Gene: TNFRSF4 (TNF receptor superfamily member 4; minus strand). Cytogenetic location: 1p36.33.
Variant type: single nucleotide variant.
Coding change: c.635-3C>T on transcript NM_003327.4 (MANE Select); 3 bases into the intron before coding-DNA position 635, C replaced by T.
Molecular consequence: intron variant.
Genome position (GRCh38, 1-based): chr1:1,211,835, G>A on the plus strand (C>T on the coding strand, the complement: TNFRSF4 is on the minus strand). VCF-style: chr1-1211835-G-A. GRCh37 (hg19) VCF-style: chr1-1147215-G-A.
Identifiers: ClinVar variation 1956267 (VCV001956267.5), dbSNP rs2521753505, ClinGen allele CA2580060427.